The following is an entry in ClinVar:

NM_001005242.3(PKP2):c.2348C>T (p.Ala783Val)

Gene: PKP2 (plakophilin 2; minus strand). Cytogenetic location: 12p11.21.
Variant type: single nucleotide variant.
Coding change: c.2348C>T on transcript NM_001005242.3 (MANE Select); coding-DNA position 2348, C replaced by T.
Protein change: p.Ala783Val; replaces alanine 783 with valine.
Molecular consequence: missense variant. On other transcripts: intron variant (2).
Genome position (GRCh38, 1-based): chr12:32,796,118, G>A on the plus strand (C>T on the coding strand, the complement: PKP2 is on the minus strand). VCF-style: chr12-32796118-G-A. GRCh37 (hg19) VCF-style: chr12-32949052-G-A.
Other names: c.2183C>T, p.Ala728Val (NM_001407156.1); c.2021C>T, p.Ala674Val (NM_001407158.1, NM_001407159.1); c.2480C>T, p.Ala827Val (NM_004572.4); c.2168-3387C>T (NM_001407155.1); c.1841-3387C>T (NM_001407160.1); short protein forms A728V, A783V, A674V, A827V.
Identifiers: ClinVar variation 2774077 (VCV002774077.3), dbSNP rs1263248288, ClinGen allele CA384357503.

ClinVar aggregate classification (germline): Uncertain significance. Review status: criteria provided, multiple submitters, no conflicts (2 of 4 stars). 2 submissions from 2 submitters: Uncertain significance (2). Last evaluated 2024-03-06.

Conditions:
Arrhythmogenic right ventricular cardiomyopathy (ARVD). Also called: Arrhythmogenic right ventricular dysplasia; Cardiomyopathy, ARVC; Arrhythmogenic cardiomyopathy; Arrhythmogenic Right Ventricular Cardiomyopathy (ARVC). Identifiers: Orphanet 247, MedGen C0349788, MeSH D019571, MONDO:0016587. Disease mechanism: loss of function. Inheritance: Various modes of inheritance.
Cardiomyopathy (CMYO). Also called: Cardiomyopathies. Identifiers: Orphanet 167848, MedGen C0878544, MONDO:0004994, HP:0001638. Inheritance: Various modes of inheritance.

Submissions (2):

Color Diagnostics, LLC DBA Color Health
Classification: Uncertain significance for Cardiomyopathy. Last evaluated: 2024-03-06. Review status: criteria provided, single submitter. Criteria: ACMG Guidelines, 2015. Collection method: clinical testing. Allele origin: germline.
Comment: This missense variant replaces alanine with valine at codon 827 of the PKP2 protein. Computational prediction suggests that this variant may not impact protein structure and function (internally defined REVEL score threshold <= 0.5, PMID: 27666373). To our knowledge, functional studies have not been reported for this variant. This variant has not been reported in individuals affected with cardiovascular disorders in the literature. This variant has not been identified in the general population by the Genome Aggregation Database (gnomAD). The available evidence is insufficient to determine the role of this variant in disease conclusively. Therefore, this variant is classified as a Variant of Uncertain Significance.

All of Us Research Program, National Institutes of Health
Classification: Uncertain significance for Arrhythmogenic right ventricular cardiomyopathy. Last evaluated: 2023-10-06. Review status: criteria provided, single submitter. Criteria: ACMG Guidelines, 2015. Collection method: clinical testing. Allele origin: germline. Inheritance: Autosomal dominant inheritance. Observed: 1 variant allele, 1 heterozygote.
Comment: This missense variant replaces alanine with valine at codon 827 of the PKP2 protein. Computational prediction suggests that this variant may not impact protein structure and function (internally defined REVEL score threshold <= 0.5, PMID: 27666373). To our knowledge, functional studies have not been reported for this variant. This variant has not been reported in individuals affected with cardiovascular disorders in the literature. This variant has not been identified in the general population by the Genome Aggregation Database (gnomAD). The available evidence is insufficient to determine the role of this variant in disease conclusively. Therefore, this variant is classified as a Variant of Uncertain Significance.

This study involves interpretation of variants in research participants for the purpose of population health screening. Participant phenotype was not available at the time of variant classification. Additional details can be found in publication PMID: 35346344, PMCID: PMC8962531